The following is an entry in ClinVar:

ClinVar aggregate classification (germline): Uncertain significance (1 of 4 stars; one submission).

Conditions:
Pulmonary fibrosis and/or bone marrow failure, Telomere-related, 3. Also called: PULMONARY FIBROSIS AND/OR BONE MARROW FAILURE SYNDROME, TELOMERE-RELATED, 3. Identifiers: Orphanet 2032, MedGen C4225346, MONDO:0014613, OMIM 616373.
Dyskeratosis congenita, autosomal recessive 5 (DKCB5). Identifiers: MedGen C3554656, MONDO:0014076, OMIM 615190.

Submission:

Labcorp Genetics (formerly Invitae), Labcorp
Classification: Uncertain significance for Dyskeratosis congenita, autosomal recessive 5; Pulmonary fibrosis and/or bone marrow failure, Telomere-related, 3. Last evaluated: 2025-11-19. Review status: criteria provided, single submitter. Criteria: Invitae Variant Classification Sherloc (09022015). Collection method: clinical testing. Allele origin: germline.
Comment: This sequence change replaces alanine, which is neutral and non-polar, with proline, which is neutral and non-polar, at codon 1154 of the RTEL1 protein (p.Ala1154Pro). This variant is not present in population databases (gnomAD no frequency). This variant has not been reported in the literature in individuals affected with RTEL1-related conditions. ClinVar contains an entry for this variant (Variation ID: 2931339). An algorithm developed to predict the effect of missense changes on protein structure and function outputs the following: PolyPhen-2: "Benign". The proline amino acid residue is found in multiple mammalian species, which suggests that this missense change does not adversely affect protein function. In summary, the available evidence is currently insufficient to determine the role of this variant in disease. Therefore, it has been classified as a Variant of Uncertain Significance.

NM_001283009.2(RTEL1):c.3460G>C (p.Ala1154Pro)

Genes: RTEL1 (regulator of telomere elongation helicase 1; plus strand), RTEL1-TNFRSF6B (RTEL1-TNFRSF6B readthrough (NMD candidate); plus strand). Cytogenetic location: 20q13.33.
Variant type: single nucleotide variant.
Coding change: c.3460G>C on transcript NM_001283009.2 (MANE Select); coding-DNA position 3460, G replaced by C.
Protein change: p.Ala1154Pro; replaces alanine 1154 with proline.
Molecular consequence: missense variant. On other transcripts: non-coding transcript variant (1).
Genome position (GRCh38, 1-based): chr20:63,695,182, G>C. VCF-style: chr20-63695182-G-C. GRCh37 (hg19) VCF-style: chr20-62326535-G-C.
Other names: c.2791G>C, p.Ala931Pro (NM_001283010.1); c.3460G>C, p.Ala1154Pro (NM_016434.4); c.3532G>C, p.Ala1178Pro (NM_032957.5); short protein forms A931P, A1154P, A1178P.
Identifiers: ClinVar variation 2931339 (VCV002931339.3), dbSNP rs960574566, ClinGen allele CA409685472.